The following is an entry in ClinVar:

ClinVar aggregate classification (germline): Conflicting classifications of pathogenicity. Review status: criteria provided, conflicting classifications (1 of 4 stars). 7 submissions from 7 submitters: Uncertain significance (1); Benign (2); Likely benign (1). 3 of the submissions do not count toward it. Last evaluated 2026-07-20.

Conditions:
CNGB1-related disorder. Also called: CNGB1-related condition.
Retinal dystrophy. Also called: Inherited retinal dystrophy. Identifiers: Orphanet 71862, MedGen C0854723, MeSH D058499, MONDO:0019118, HP:0000556.
Retinitis pigmentosa (RP). Identifiers: Orphanet 791, MedGen C0035334, MeSH D012174, MONDO:0019200, OMIM 268000. Inheritance: Autosomal dominant, autosomal recessive and X linked inheritance.

Allele frequency attached by ClinVar (database versions not stated): 1000 Genomes Project 30x 0.00172; 1000 Genomes Project 0.00180; TOPMed 0.00401; ESP Exome Variant Server 0.00494; gnomAD exomes 0.00677 and 0.00852; gnomAD 0.00762 and 0.00806; ExAC 0.00782.
gnomAD v4.1: 10,972 of 1,614,078 alleles (0.68%); highest among the groups gnomAD compares: Non-Finnish European, 0.61%; 123 homozygotes.

Submissions (7):

PreventionGenetics, part of Exact Sciences
Classification: Benign for CNGB1-related condition. Last evaluated: 2026-07-20. Review status: criteria provided, single submitter. Criteria: ACMG Guidelines, 2015. Collection method: clinical testing. Allele origin: germline.
Comment: This variant is classified as benign based on ACMG/AMP sequence variant interpretation guidelines (Richards et al. 2015 PMID: 25741868, with internal and published modifications).

Labcorp Genetics (formerly Invitae), Labcorp
Classification: Benign. Last evaluated: 2026-02-04. Review status: criteria provided, single submitter. Criteria: Invitae Variant Classification Sherloc (09022015). Collection method: clinical testing. Allele origin: germline.

CeGaT Center for Human Genetics Tuebingen
Classification: Likely benign. Last evaluated: 2025-10-01. Review status: criteria provided, single submitter. Criteria: CeGaT Center For Human Genetics Tuebingen Variant Classification Criteria Version 2. Collection method: clinical testing. Allele origin: germline. Affected: yes. Observed: 8 variant alleles.
Comment: CNGB1: BP4, BS2

Illumina Laboratory Services, Illumina
Classification: Uncertain significance for Retinitis pigmentosa. Last evaluated: 2018-01-12. Review status: criteria provided, single submitter. Criteria: ICSL Variant Classification Criteria 13 December 2019. Collection method: clinical testing. Allele origin: germline.

Centre for Genomic Medicine, Manchester, Central Manchester University Hospitals
Classification: Uncertain significance for Retinal dystrophy. Review status: no assertion criteria provided. Collection method: clinical testing. Allele origin: germline. Affected: yes. Not counted in ClinVar's aggregate classification.

Clinical Genetics DNA and cytogenetics Diagnostics Lab, Erasmus MC, Erasmus Medical Center
Classification: Likely benign. Review status: no assertion criteria provided. Collection method: clinical testing. Allele origin: germline. Affected: yes. Study: VKGL Data-share Consensus. Not counted in ClinVar's aggregate classification.

Clinical Genetics, Academic Medical Center
Classification: Benign. Review status: no assertion criteria provided. Collection method: clinical testing. Allele origin: germline. Affected: yes. Study: VKGL Data-share Consensus. Not counted in ClinVar's aggregate classification.

NM_001297.5(CNGB1):c.1382C>T (p.Thr461Met)

Gene: CNGB1 (cyclic nucleotide gated channel subunit beta 1; minus strand). Cytogenetic location: 16q21.
Variant type: single nucleotide variant.
Coding change: c.1382C>T on transcript NM_001297.5 (MANE Select); coding-DNA position 1382, C replaced by T.
Protein change: p.Thr461Met; replaces threonine 461 with methionine.
Molecular consequence: missense variant.
Genome position (GRCh38, 1-based): chr16:57,931,869, G>A on the plus strand (C>T on the coding strand, the complement: CNGB1 is on the minus strand). VCF-style: chr16-57931869-G-A. GRCh37 (hg19) VCF-style: chr16-57965773-G-A.
Other names: c.1364C>T, p.Thr455Met (NM_001286130.2); short protein forms T461M, T455M.
Identifiers: ClinVar variation 236513 (VCV000236513.43), dbSNP rs147593839, ClinGen allele CA8083441.